The following is an entry in ClinVar:

NM_001079866.2(BCS1L):c.331A>C (p.Lys111Gln)

Gene: BCS1L (BCS1 homolog, ubiquinol-cytochrome c reductase complex chaperone; plus strand). Cytogenetic location: 2q35.
Variant type: single nucleotide variant.
Coding change: c.331A>C on transcript NM_001079866.2 (MANE Select); coding-DNA position 331, A replaced by C.
Protein change: p.Lys111Gln; replaces lysine 111 with glutamine.
Molecular consequence: missense variant. On other transcripts: 5 prime UTR variant (7), non-coding transcript variant (1), intron variant (1).
Genome position (GRCh38, 1-based): chr2:218,661,416, A>C. VCF-style: chr2-218661416-A-C. GRCh37 (hg19) VCF-style: chr2-219526139-A-C.
Other names: c.331A>C, p.Lys111Gln (NM_001257342.2, NM_001257343.2, NM_001257344.2 and 10 more transcripts); c.-30A>C (NM_001318836.2, NM_001371451.1); c.-146A>C (NM_001371453.1, NM_001371454.1, NM_001371455.1 and 2 more transcripts); c.-41-343A>C (NM_001371452.1); short protein forms K111Q.
Identifiers: ClinVar variation 2398294 (VCV002398294.3), dbSNP rs750506359, ClinGen allele CA2109647.

ClinVar aggregate classification (germline): Uncertain significance. Review status: criteria provided, multiple submitters, no conflicts (2 of 4 stars). 2 submissions from 2 submitters: Uncertain significance (2). Last evaluated 2024-06-10.

Conditions:
Inborn genetic diseases. Identifiers: MedGen C0950123, MeSH D030342.

Allele frequency attached by ClinVar (database versions not stated): TOPMed below 0.00001; gnomAD 0.00001; ExAC 0.00006.
gnomAD v4.1: 46 of 1,614,110 alleles (0.0028%); highest among the groups gnomAD compares: South Asian, 0.05%; 1 homozygote.

Submissions (2):

GeneDx
Classification: Uncertain significance. Last evaluated: 2024-06-10. Review status: criteria provided, single submitter. Criteria: GeneDx Variant Classification Process June 2021. Collection method: clinical testing. Allele origin: germline. Affected: yes.
Comment: In silico analysis indicates that this missense variant does not alter protein structure/function; Has not been previously published as pathogenic or benign to our knowledge

Ambry Genetics
Classification: Uncertain significance for Inborn genetic diseases. Last evaluated: 2022-08-31. Review status: criteria provided, single submitter. Criteria: Ambry Variant Classification Scheme 2023. Collection method: clinical testing. Allele origin: germline.